The following is an entry in ClinVar:

ClinVar aggregate classification (germline): Likely benign. Review status: criteria provided, multiple submitters, no conflicts (2 of 4 stars). 2 submissions from 2 submitters: Likely benign (2). Last evaluated 2025-01-17.

Conditions:
Familial cancer of breast. Also called: BREAST CANCER, FAMILIAL; hereditary breast carcinoma; Hereditary breast cancer. Identifiers: Orphanet 227535, MedGen C0346153, MONDO:0016419, OMIM 114480. Disease mechanism: loss of function.

Allele frequency attached by ClinVar (database versions not stated): gnomAD 0.00001.
gnomAD v4.1: 1 of 1,608,934 alleles (0.000062%); highest among the groups gnomAD compares: African/African-American, 0.0013%; no homozygotes.

Submissions (2):

Myriad Genetics, Inc.
Classification: Likely benign for Familial cancer of breast. Last evaluated: 2025-01-17. Review status: criteria provided, single submitter. Criteria: Myriad Autosomal Dominant, Autosomal Recessive and X-Linked Classification Criteria (2023). Collection method: clinical testing. Allele origin: unknown.
Comment: This variant is considered likely benign. This variant is intronic and is not expected to impact mRNA splicing.

Labcorp Genetics (formerly Invitae), Labcorp
Classification: Likely benign for Familial cancer of breast. Last evaluated: 2022-11-09. Review status: criteria provided, single submitter. Criteria: Invitae Variant Classification Sherloc (09022015). Collection method: clinical testing. Allele origin: germline.

NM_024675.4(PALB2):c.2835-13A>G

Gene: PALB2 (partner and localizer of BRCA2; minus strand). Cytogenetic location: 16p12.2.
Variant type: single nucleotide variant.
Coding change: c.2835-13A>G on transcript NM_024675.4 (MANE Select); 13 bases into the intron before coding-DNA position 2835, A replaced by G.
Molecular consequence: intron variant.
Genome position (GRCh38, 1-based): chr16:23,623,143, T>C on the plus strand (A>G on the coding strand, the complement: PALB2 is on the minus strand). VCF-style: chr16-23623143-T-C. GRCh37 (hg19) VCF-style: chr16-23634464-T-C.
Other names: c.1950-13A>G (NM_001407308.1, NM_001407306.1, NM_001407309.1 and 4 more transcripts); c.369-13A>G (NM_001407314.1); c.1047-13A>G (NM_001407313.1, NM_001407312.1); c.2775-13A>G (NM_001407296.1); c.2763-13A>G (NM_001407297.1); c.2673-13A>G (NM_001407302.1, NM_001407298.1); c.2834+866A>G (NM_001407300.1); c.2835-13A>G (NM_001407299.1, NM_001407301.1); and 1 more.
Identifiers: ClinVar variation 2813117 (VCV002813117.4), dbSNP rs1478108462, ClinGen allele CA621661653.